The following is an entry in ClinVar:

ClinVar aggregate classification (germline): Uncertain significance. Review status: criteria provided, multiple submitters, no conflicts (2 of 4 stars). 2 submissions from 2 submitters: Uncertain significance (2). Last evaluated 2025-02-03.

Conditions:
Cryopyrin associated periodic syndrome (CAPS). Identifiers: Orphanet 208650, MedGen C2316212, MONDO:0016168.
Chronic infantile neurological, cutaneous and articular syndrome (CINCA). Also called: Prieur Griscelli syndrome; CRYOPYRIN-ASSOCIATED PERIODIC SYNDROME 3; CINCA syndrome; CHRONIC NEUROLOGIC CUTANEOUS AND ARTICULAR SYNDROME. Identifiers: Orphanet 1451, MedGen C0409818, MONDO:0011776, OMIM 607115.
Keratitis fugax hereditaria. Also called: KERATOENDOTHELIITIS FUGAX HEREDITARIA. Identifiers: Orphanet 647815, MedGen C1835697, MONDO:0007849, OMIM 148200.
Hearing loss, autosomal dominant 34, with or without inflammation. Also called: DEAFNESS, AUTOSOMAL DOMINANT 34, WITH OR WITHOUT INFLAMMATION. Identifiers: MedGen C4521680, MONDO:0033261, OMIM 617772.
Familial amyloid nephropathy with urticaria AND deafness (MWS). Also called: MUCKLE-WELLS SYNDROME; Urticaria, deafness and amyloidosis; CRYOPYRIN-ASSOCIATED PERIODIC SYNDROME 2; UDA SYNDROME; URTICARIA-DEAFNESS-AMYLOIDOSIS SYNDROME. Identifiers: Orphanet 575, MedGen C0268390, MONDO:0008633, OMIM 191900.
Familial cold autoinflammatory syndrome 1 (FCAS1). Also called: Familial cold inflammatory syndrome 1; CRYOPYRIN-ASSOCIATED PERIODIC SYNDROME 1. Identifiers: Orphanet 47045, MedGen C4551895, MONDO:0007349, OMIM 120100.

Allele frequency attached by ClinVar (database versions not stated): 1000 Genomes Project 30x 0.00016; 1000 Genomes Project 0.00020.
gnomAD v4.1: 12 of 1,614,142 alleles (0.00074%); highest among the groups gnomAD compares: East Asian, 0.013%; no homozygotes.

Submissions (2):

Labcorp Genetics (formerly Invitae), Labcorp
Classification: Uncertain significance for Cryopyrin associated periodic syndrome. Last evaluated: 2025-02-03. Review status: criteria provided, single submitter. Criteria: Invitae Variant Classification Sherloc (09022015). Collection method: clinical testing. Allele origin: germline.
Comment: This sequence change replaces arginine, which is basic and polar, with tryptophan, which is neutral and slightly polar, at codon 731 of the NLRP3 protein (p.Arg731Trp). The frequency data for this variant in the population databases is considered unreliable, as metrics indicate poor data quality at this position in the gnomAD database. This variant has not been reported in the literature in individuals affected with NLRP3-related conditions. ClinVar contains an entry for this variant (Variation ID: 1980427). Invitae Evidence Modeling of protein sequence and biophysical properties (such as structural, functional, and spatial information, amino acid conservation, physicochemical variation, residue mobility, and thermodynamic stability) indicates that this missense variant is not expected to disrupt NLRP3 protein function with a negative predictive value of 95%. In summary, the available evidence is currently insufficient to determine the role of this variant in disease. Therefore, it has been classified as a Variant of Uncertain Significance.

Fulgent Genetics
Classification: Uncertain significance for Familial cold autoinflammatory syndrome 1; Keratitis fugax hereditaria; Familial amyloid nephropathy with urticaria AND deafness; Chronic infantile neurological, cutaneous and articular syndrome; Hearing loss, autosomal dominant 34, with or without inflammation. Last evaluated: 2024-05-08. Review status: criteria provided, single submitter. Criteria: ACMG Guidelines, 2015. Collection method: clinical testing. Allele origin: germline.

NM_001243133.2(NLRP3):c.2185C>T (p.Arg729Trp)

Gene: NLRP3 (NLR family pyrin domain containing 3; plus strand). Cytogenetic location: 1q44.
Variant type: single nucleotide variant.
Coding change: c.2185C>T on transcript NM_001243133.2 (MANE Select); coding-DNA position 2185, C replaced by T.
Protein change: p.Arg729Trp; replaces arginine 729 with tryptophan.
Molecular consequence: missense variant. On other transcripts: intron variant (2).
Genome position (GRCh38, 1-based): chr1:247,429,619, C>T. VCF-style: chr1-247429619-C-T. GRCh37 (hg19) VCF-style: chr1-247592921-C-T.
Other names: c.2185C>T, p.Arg729Trp (NM_001079821.3, NM_001127461.3); c.2191C>T, p.Arg731Trp (NM_004895.5); c.2150+4020C>T (NM_001127462.3, NM_183395.3); short protein forms R729W, R731W.
Identifiers: ClinVar variation 1980427 (VCV001980427.5), dbSNP rs148590318, ClinGen allele CA1495154.